The following is an entry in ClinVar:

GRCh38/hg38 1p11.2(chr1:121442410-121608005)x3

Genes: LINC01691 (long independently transcribed non-coding RNA 1691; minus strand), LINC02798 (long independently transcribed non-coding RNA 2798; plus strand). Cytogenetic location: 1p11.2.
Variant type: copy number gain.
Change: copy number 3 (three copies instead of two) of chr1:121,442,410-121,608,005 (165.6 kb, GRCh38 coordinates, 1-based), cytogenetic band 1p11.2.
Identifiers: ClinVar variation 145283 (VCV000145283.1).

ClinVar aggregate classification (germline): Benign/Likely benign (0 of 4 stars; one submission).

Submission:

GeneDx
Classification: Benign/Likely benign. Last evaluated: 2011-04-30. Review status: no assertion criteria provided. Collection method: clinical testing. Allele origin: not provided. Affected: yes. Observed: 2 variant alleles.
Comment: Likely benign (1), Benign (1)